The following is an entry in ClinVar:

ClinVar aggregate classification (germline): Uncertain significance (1 of 4 stars; one submission).

Allele frequency attached by ClinVar (database versions not stated): gnomAD exomes below 0.00001; TOPMed below 0.00001.
gnomAD v4.1: 1 of 1,331,308 alleles (0.000075%); highest among the groups gnomAD compares: Non-Finnish European, 0.000097%; no homozygotes.

Submission:

Labcorp Genetics (formerly Invitae), Labcorp
Classification: Uncertain significance. Last evaluated: 2021-04-25. Review status: criteria provided, single submitter. Criteria: Invitae Variant Classification Sherloc (09022015). Collection method: clinical testing. Allele origin: germline.
Comment: In summary, the available evidence is currently insufficient to determine the role of this variant in disease. Therefore, it has been classified as a Variant of Uncertain Significance. This sequence change replaces glutamine with arginine at codon 820 of the LTBP2 protein (p.Gln820Arg). The glutamine residue is highly conserved and there is a small physicochemical difference between glutamine and arginine. This variant is not present in population databases (ExAC no frequency). This variant has not been reported in the literature in individuals with LTBP2-related conditions. Algorithms developed to predict the effect of missense changes on protein structure and function output the following: SIFT: "Deleterious"; PolyPhen-2: "Benign"; Align-GVGD: "Class C35". The arginine amino acid residue is found in multiple mammalian species, suggesting that this missense change does not adversely affect protein function. These predictions have not been confirmed by published functional studies and their clinical significance is uncertain.

NM_000428.3(LTBP2):c.2459A>G (p.Gln820Arg)

Gene: LTBP2 (latent transforming growth factor beta binding protein 2; minus strand). Cytogenetic location: 14q24.3.
Variant type: single nucleotide variant.
Coding change: c.2459A>G on transcript NM_000428.3 (MANE Select); coding-DNA position 2459, A replaced by G.
Protein change: p.Gln820Arg; replaces glutamine 820 with arginine.
Molecular consequence: missense variant.
Genome position (GRCh38, 1-based): chr14:74,525,195, T>C on the plus strand (A>G on the coding strand, the complement: LTBP2 is on the minus strand). VCF-style: chr14-74525195-T-C. GRCh37 (hg19) VCF-style: chr14-74991898-T-C.
Other names: short protein forms Q820R.
Identifiers: ClinVar variation 1500989 (VCV001500989.7), dbSNP rs2087256445, ClinGen allele CA390392827.
Genomic context (GRCh38, chr14:74,525,195, plus strand): 5'-AGGGTCACCAGCACATCAGTGGAGGGGGTCACTTGTTCTTCCTGTATCTCTGCAATCCCC[T>C]GTTCAGGCATTGGTGGGGTTGTGGCATTCCCTGTGGAGGAGAGAGGGGAAGAGGTGGGGT-3'
Protein context (NP_000419.1, residues 810-830): GNATTPPMPE[Gln820Arg]GIAEIQEEQV